The following is an entry in ClinVar:

NM_000094.4(COL7A1):c.7636T>A (p.Leu2546Met)

Gene: COL7A1 (collagen type VII alpha 1 chain; minus strand). Cytogenetic location: 3p21.31.
Variant type: single nucleotide variant.
Coding change: c.7636T>A on transcript NM_000094.4 (MANE Select); coding-DNA position 7636, T replaced by A.
Protein change: p.Leu2546Met; replaces leucine 2546 with methionine.
Molecular consequence: missense variant.
Genome position (GRCh38, 1-based): chr3:48,569,425, A>T on the plus strand (T>A on the coding strand, the complement: COL7A1 is on the minus strand). VCF-style: chr3-48569425-A-T. GRCh37 (hg19) VCF-style: chr3-48606858-A-T.
Other names: short protein forms L2546M.
Identifiers: ClinVar variation 2100393 (VCV002100393.1), dbSNP rs2530843924, ClinGen allele CA352643913.

ClinVar aggregate classification (germline): Uncertain significance (1 of 4 stars; one submission).

Submission:

Labcorp Genetics (formerly Invitae), Labcorp
Classification: Uncertain significance. Last evaluated: 2022-02-20. Review status: criteria provided, single submitter. Criteria: Invitae Variant Classification Sherloc (09022015). Collection method: clinical testing. Allele origin: germline.
Comment: This sequence change replaces leucine, which is neutral and non-polar, with methionine, which is neutral and non-polar, at codon 2546 of the COL7A1 protein (p.Leu2546Met). This variant is not present in population databases (gnomAD no frequency). This variant has not been reported in the literature in individuals affected with COL7A1-related conditions. Advanced modeling of protein sequence and biophysical properties (such as structural, functional, and spatial information, amino acid conservation, physicochemical variation, residue mobility, and thermodynamic stability) performed at Invitae indicates that this missense variant is not expected to disrupt COL7A1 protein function. In summary, the available evidence is currently insufficient to determine the role of this variant in disease. Therefore, it has been classified as a Variant of Uncertain Significance.